The following is an entry in ClinVar:

ClinVar aggregate classification (germline): Conflicting classifications of pathogenicity. Review status: criteria provided, conflicting classifications (1 of 4 stars). 3 submissions from 3 submitters: Uncertain significance (2); Likely benign (1). Last evaluated 2025-10-23.

Conditions:
Inborn genetic diseases. Identifiers: MedGen C0950123, MeSH D030342.

Allele frequency attached by ClinVar (database versions not stated): ExAC 0.00008; gnomAD 0.00017; TOPMed 0.00021.
gnomAD v4.1: 41 of 1,613,866 alleles (0.0025%); highest among the groups gnomAD compares: African/African-American, 0.044%; no homozygotes.

Submissions (3):

Ambry Genetics
Classification: Uncertain significance for Inborn genetic diseases. Last evaluated: 2025-10-23. Review status: criteria provided, single submitter. Criteria: Ambry Variant Classification Scheme 2023. Collection method: clinical testing. Allele origin: germline.

Blueprint Genetics
Classification: Likely benign. Last evaluated: 2024-11-26. Review status: criteria provided, single submitter. Criteria: ACMG Guidelines, 2015. Collection method: clinical testing. Allele origin: germline.

Labcorp Genetics (formerly Invitae), Labcorp
Classification: Uncertain significance. Last evaluated: 2023-02-16. Review status: criteria provided, single submitter. Criteria: Invitae Variant Classification Sherloc (09022015). Collection method: clinical testing. Allele origin: germline.
Comment: In summary, the available evidence is currently insufficient to determine the role of this variant in disease. Therefore, it has been classified as a Variant of Uncertain Significance. Algorithms developed to predict the effect of missense changes on protein structure and function output the following: SIFT: "Not Available"; PolyPhen-2: "Benign"; Align-GVGD: "Not Available". The glycine amino acid residue is found in multiple mammalian species, which suggests that this missense change does not adversely affect protein function. This variant has not been reported in the literature in individuals affected with MECOM-related conditions. This variant is present in population databases (rs150883626, gnomAD 0.07%), and has an allele count higher than expected for a pathogenic variant. This sequence change replaces alanine, which is neutral and non-polar, with glycine, which is neutral and non-polar, at codon 701 of the MECOM protein (p.Ala701Gly).

NM_004991.4(MECOM):c.2666C>G (p.Ala889Gly)

Gene: MECOM (MDS1 and EVI1 complex locus; minus strand). Cytogenetic location: 3q26.2.
Variant type: single nucleotide variant.
Coding change: c.2666C>G on transcript NM_004991.4 (MANE Select); coding-DNA position 2666, C replaced by G.
Protein change: p.Ala889Gly; replaces alanine 889 with glycine.
Molecular consequence: missense variant.
Genome position (GRCh38, 1-based): chr3:169,102,165, G>C on the plus strand (C>G on the coding strand, the complement: MECOM is on the minus strand). VCF-style: chr3-169102165-G-C. GRCh37 (hg19) VCF-style: chr3-168819953-G-C.
Other names: c.2297C>G, p.Ala766Gly (NM_001105077.4); c.2102C>G, p.Ala701Gly (NM_001105078.4, NM_001205194.2, NM_001366469.2 and 1 more transcripts); c.2078C>G, p.Ala693Gly (NM_001163999.2, NM_001366470.2); c.2075C>G, p.Ala692Gly (NM_001164000.2, NM_001366471.2, NM_001366472.2); c.2639C>G, p.Ala880Gly (NM_001366466.2); c.2105C>G, p.Ala702Gly (NM_001366467.2, NM_001366468.2); c.1667C>G, p.Ala556Gly (NM_001366473.2); c.1103C>G, p.Ala368Gly (NM_001366474.2); and 1 more; short protein forms A368G, A556G, A701G, A889G, A702G, A880G, A692G, A766G.
Identifiers: ClinVar variation 2724513 (VCV002724513.6), dbSNP rs150883626, ClinGen allele CA2696071.